The following is an entry in ClinVar:

NM_004006.3(DMD):c.7853del (p.Lys2618fs)

Gene: DMD (dystrophin; minus strand). Cytogenetic location: Xp21.1.
Variant type: Deletion.
Coding change: c.7853del on transcript NM_004006.3 (MANE Select); coding-DNA position 7853, one base deleted (A; older notation c.7853delA).
Protein change: p.Lys2618fs; shifts the reading frame from lysine 2618.
Molecular consequence: frameshift variant.
Genome position (GRCh38, 1-based): chrX:31,679,394, T deleted on the plus strand (A on the coding strand, the reverse complement: DMD is on the minus strand); the first of 4 consecutive T bases (chrX:31,679,394-31,679,397); deleting any one gives the same sequence. VCF-style (leftmost placement, unchanged base first): chrX-31679393-CT-C. GRCh37 (hg19) VCF-style: chrX-31697510-CT-C.
Other names: c.7829del, p.Lys2610fs (NM_000109.4); c.7841del, p.Lys2614fs (NM_004009.3); c.7484del, p.Lys2495fs (NM_004010.3); c.3830del, p.Lys1277fs (NM_004011.4); c.3821del, p.Lys1274fs (NM_004012.4); c.473del, p.Lys158fs (NM_004013.3, NM_004020.4, NM_004021.3 and 2 more transcripts); short protein forms K1274fs, K2495fs, K2610fs, K2614fs, K1277fs, K158fs, K2618fs.
Identifiers: ClinVar variation 2026915 (VCV002026915.4), dbSNP rs2529174642, ClinGen allele CA2580100749.

ClinVar aggregate classification (germline): Pathogenic (1 of 4 stars; one submission).

Conditions:
Duchenne muscular dystrophy (DMD). Also called: MUSCULAR DYSTROPHY, PSEUDOHYPERTROPHIC PROGRESSIVE, DUCHENNE TYPE; Duchenne Muscular Dystrophy (DMD). Identifiers: Orphanet 98896, MedGen C0013264, MONDO:0010679, OMIM 310200.

Submission:

Labcorp Genetics (formerly Invitae), Labcorp
Classification: Pathogenic for Duchenne muscular dystrophy. Last evaluated: 2022-08-24. Review status: criteria provided, single submitter. Criteria: Invitae Variant Classification Sherloc (09022015). Collection method: clinical testing. Allele origin: germline.
Comment: For these reasons, this variant has been classified as Pathogenic. This variant has not been reported in the literature in individuals affected with DMD-related conditions. This variant is not present in population databases (gnomAD no frequency). This sequence change creates a premature translational stop signal (p.Lys2618Argfs*20) in the DMD gene. It is expected to result in an absent or disrupted protein product. Loss-of-function variants in DMD are known to be pathogenic (PMID: 16770791, 25007885).

Literature cited by the submitters: PubMed 16770791; PubMed 25007885.